The following is an entry in ClinVar:

ClinVar aggregate classification (germline): Benign. Review status: criteria provided, multiple submitters, no conflicts (2 of 4 stars). 2 submissions from 2 submitters: Benign (2). Last evaluated 2018-06-14.

Allele frequency attached by ClinVar (database versions not stated): 1000 Genomes Project 30x 0.54716; 1000 Genomes Project 0.54992; TOPMed 0.58685; gnomAD 0.59396.
gnomAD v4.1: 90,083 of 152,016 alleles (59%); highest among the groups gnomAD compares: South Asian, 62%; 26,883 homozygotes.

Submissions (7):

GeneDx
Classification: Benign. Last evaluated: 2018-06-14. Review status: criteria provided, single submitter. Criteria: GeneDx Variant Classification (06012015). Collection method: clinical testing. Allele origin: germline. Affected: yes.
Comment: This variant is considered likely benign or benign based on one or more of the following criteria: it is a conservative change, it occurs at a poorly conserved position in the protein, it is predicted to be benign by multiple in silico algorithms, and/or has population frequency not consistent with disease.

Breakthrough Genomics
Classification: Benign. Review status: criteria provided, single submitter. Criteria: ACMG Guidelines, 2015. Collection method: not provided. Allele origin: germline. Inheritance: Autosomal dominant inheritance. Affected: yes.

Dr. Peter K. Rogan Lab, Western University
No classification provided (evidence only). Condition: Cholangiocarcinoma. Review status: no classification provided. Collection method: in vitro. Allele origin: not applicable. Functional consequence: retained intron. Not counted in ClinVar's aggregate classification.

Dr. Peter K. Rogan Lab, Western University
No classification provided (evidence only). Condition: Cholangiocarcinoma. Review status: no classification provided. Collection method: in vitro. Allele origin: not applicable. Functional consequence: retained intron. Not counted in ClinVar's aggregate classification.

Dr. Peter K. Rogan Lab, Western University
No classification provided (evidence only). Condition: Gastric cancer. Review status: no classification provided. Collection method: in vitro. Allele origin: not applicable. Functional consequence: retained intron. Not counted in ClinVar's aggregate classification.

Dr. Peter K. Rogan Lab, Western University
No classification provided (evidence only). Condition: Gastric cancer. Review status: no classification provided. Collection method: in vitro. Allele origin: not applicable. Functional consequence: retained intron. Not counted in ClinVar's aggregate classification.

Dr. Peter K. Rogan Lab, Western University
No classification provided (evidence only). Condition: Uterine carcinosarcoma. Review status: no classification provided. Collection method: in vitro. Allele origin: not applicable. Functional consequence: retained intron. Not counted in ClinVar's aggregate classification.

NM_012470.4(TNPO3):c.1921-238A>T

Gene: TNPO3 (transportin 3; minus strand). Cytogenetic location: 7q32.1.
Variant type: single nucleotide variant.
Coding change: c.1921-238A>T on transcript NM_012470.4 (MANE Select); 238 bases into the intron before coding-DNA position 1921, A replaced by T.
Molecular consequence: intron variant.
Genome position (GRCh38, 1-based): chr7:128,979,361, T>A on the plus strand (A>T on the coding strand, the complement: TNPO3 is on the minus strand). VCF-style: chr7-128979361-T-A. GRCh37 (hg19) VCF-style: chr7-128619415-T-A.
Other names: NC_000007.13:g.128619415T>A; c.1777-238A>T (NM_001382221.1); c.1774-238A>T (NM_001382222.1); c.1813-238A>T (NM_001382219.1); c.1729-238A>T (NM_001382223.1, NM_001191028.3); c.1920+610A>T (NM_001382220.1); c.1921-238A>T (NM_001382218.1); c.2023-238A>T (NM_001382216.1); and 1 more.
Identifiers: ClinVar variation 670783 (VCV000670783.3), dbSNP rs2272347, ClinGen allele CA12482278.
Genomic context (GRCh38, chr7:128,979,361, plus strand): 5'-ACTTAACAAGAGAAAACAGTGCCTCTTTAGAACTGGAAGAGCATGTCTAACTTTGCTAAA[T>A]GACAGAGATACACAATTTCCTAAACTTCAGACTTCCCGAAAGGCTATGAAAAGAATTGGT-3'